The following is an entry in ClinVar:

ClinVar aggregate classification (germline): Uncertain significance. Review status: criteria provided, multiple submitters, no conflicts (2 of 4 stars). 4 submissions from 4 submitters: Uncertain significance (4). Last evaluated 2025-05-07.

Conditions:
Familial cancer of breast. Also called: BREAST CANCER, FAMILIAL; Hereditary breast cancer; hereditary breast carcinoma. Identifiers: Orphanet 227535, MedGen C0346153, MONDO:0016419, OMIM 114480. Disease mechanism: loss of function.
Hereditary cancer-predisposing syndrome. Also called: Neoplastic Syndromes, Hereditary; Tumor predisposition; Hereditary Cancer Syndrome; Hereditary neoplastic syndrome. Identifiers: Orphanet 140162, MedGen C0027672, MeSH D009386, MONDO:0015356.

Submissions (4):

Labcorp Genetics (formerly Invitae), Labcorp
Classification: Uncertain significance for Familial cancer of breast. Last evaluated: 2025-05-07. Review status: criteria provided, single submitter. Criteria: Invitae Variant Classification Sherloc (09022015). Collection method: clinical testing. Allele origin: germline.
Comment: This sequence change replaces glutamine, which is neutral and polar, with arginine, which is basic and polar, at codon 838 of the PALB2 protein (p.Gln838Arg). This variant is not present in population databases (gnomAD no frequency). This variant has not been reported in the literature in individuals affected with PALB2-related conditions. ClinVar contains an entry for this variant (Variation ID: 482045). An algorithm developed to predict the effect of missense changes on protein structure and function (PolyPhen-2) suggests that this variant is likely to be disruptive. Algorithms developed to predict the effect of sequence changes on RNA splicing suggest that this variant may disrupt the consensus splice site. In summary, the available evidence is currently insufficient to determine the role of this variant in disease. Therefore, it has been classified as a Variant of Uncertain Significance.

Color Diagnostics, LLC DBA Color Health
Classification: Uncertain significance for Hereditary cancer-predisposing syndrome. Last evaluated: 2025-03-04. Review status: criteria provided, single submitter. Criteria: ACMG Guidelines, 2015. Collection method: clinical testing. Allele origin: germline.
Comment: This missense variant replaces glutamine with arginine at codon 838 of the PALB2 protein. Computational prediction suggests that this variant may not impact protein structure and function. Splice site prediction tools suggest that this variant may impact RNA splicing. To our knowledge, RNA and functional studies have not been reported for this variant. This variant has not been reported in individuals affected with PALB2-related disorders in the literature. This variant has not been identified in the general population by the Genome Aggregation Database (gnomAD). The available evidence is insufficient to determine the role of this variant in disease conclusively. Therefore, this variant is classified as a Variant of Uncertain Significance.

Ambry Genetics
Classification: Uncertain significance for Hereditary cancer-predisposing syndrome. Last evaluated: 2024-04-19. Review status: criteria provided, single submitter. Criteria: Ambry Variant Classification Scheme 2023. Collection method: clinical testing. Allele origin: germline.
Comment: The p.Q838R variant (also known as c.2513A>G), located in coding exon 5 of the PALB2 gene, results from an A to G substitution at nucleotide position 2513. The glutamine at codon 838 is replaced by arginine, an amino acid with highly similar properties. This amino acid position is highly conserved in available vertebrate species. In addition, this alteration is predicted to be tolerated by in silico analysis. Since supporting evidence is limited at this time, the clinical significance of this alteration remains unclear.

GeneDx
Classification: Uncertain significance. Last evaluated: 2024-02-20. Review status: criteria provided, single submitter. Criteria: GeneDx Variant Classification Process June 2021. Collection method: clinical testing. Allele origin: germline. Affected: yes.
Comment: Not observed at significant frequency in large population cohorts (gnomAD); In silico analysis supports that this variant has a deleterious effect on splicing; In silico analysis supports that this missense variant does not alter protein structure/function; Has not been previously published as pathogenic or benign to our knowledge; This variant is associated with the following publications: (PMID: 24485656, 19609323)

NM_024675.4(PALB2):c.2513A>G (p.Gln838Arg)

Gene: PALB2 (partner and localizer of BRCA2; minus strand). Cytogenetic location: 16p12.2.
Variant type: single nucleotide variant.
Coding change: c.2513A>G on transcript NM_024675.4 (MANE Select); coding-DNA position 2513, A replaced by G.
Protein change: p.Gln838Arg; replaces glutamine 838 with arginine.
Molecular consequence: missense variant.
Genome position (GRCh38, 1-based): chr16:23,629,641, T>C on the plus strand (A>G on the coding strand, the complement: PALB2 is on the minus strand). VCF-style: chr16-23629641-T-C. GRCh37 (hg19) VCF-style: chr16-23640962-T-C.
Other names: short protein forms Q838R.
Identifiers: ClinVar variation 482045 (VCV000482045.19), dbSNP rs1555460298, ClinGen allele CA395123922.
Genomic context (GRCh38, chr16:23,629,641, plus strand): 5'-ACATTCACTAAGGCATTTCATTCCTTCAGAGAAAATTTCACAGAGGAAATGGATTGTACC[T>C]GTTCGACGGAATGTTTATGCAGCTCCTGGCATGTGTTTCTACAGAGCTGATTTTCTTTAA-3'
Protein context (NP_078951.2, residues 828-848): CQELHKHSVE[Gln838Arg]TETAELPASD